The following is an entry in ClinVar:

NM_005027.4(PIK3R2):c.2081T>A (p.Leu694Gln)

Gene: PIK3R2 (phosphoinositide-3-kinase regulatory subunit 2; plus strand). Cytogenetic location: 19p13.11.
Variant type: single nucleotide variant.
Coding change: c.2081T>A on transcript NM_005027.4 (MANE Select); coding-DNA position 2081, T replaced by A.
Protein change: p.Leu694Gln; replaces leucine 694 with glutamine.
Molecular consequence: missense variant. On other transcripts: non-coding transcript variant (2).
Genome position (GRCh38, 1-based): chr19:18,169,188, T>A. VCF-style: chr19-18169188-T-A. GRCh37 (hg19) VCF-style: chr19-18279998-T-A.
Other names: short protein forms L694Q.
Identifiers: ClinVar variation 4057013 (VCV004057013.1).
Genomic context (GRCh38, chr19:18,169,188, plus strand): 5'-CCACCGGCTTCGGCTTCGCGGAGCCCTACAACCTGTACGGGTCGCTGAAGGAGCTGGTGC[T>A]GCACTACCAGCACGCCTCGCTGGTGCAGCACAACGACGCGCTCACCGTCACCCTGGCGCA-3'
Protein context (NP_005018.2, residues 684-704): NLYGSLKELV[Leu694Gln]HYQHASLVQH

ClinVar aggregate classification (germline): Uncertain significance (1 of 4 stars; one submission).

Submission:

GeneDx
Classification: Uncertain significance. Last evaluated: 2025-01-07. Review status: criteria provided, single submitter. Criteria: GeneDx Variant Classification Process June 2021. Collection method: clinical testing. Allele origin: germline. Affected: yes.
Comment: Not observed at significant frequency in large population cohorts (gnomAD); In silico analysis supports that this missense variant has a deleterious effect on protein structure/function; Has not been previously published as pathogenic or benign to our knowledge